The following is an entry in ClinVar:

NM_000153.4(GALC):c.174C>G (p.Ile58Met)

Genes: GALC (galactosylceramidase; minus strand), LOC130056217 (ATAC-STARR-seq lymphoblastoid silent region 5988; plus strand). Cytogenetic location: 14q31.3.
Variant type: single nucleotide variant.
Coding change: c.174C>G on transcript NM_000153.4 (MANE Select); coding-DNA position 174, C replaced by G.
Protein change: p.Ile58Met; replaces isoleucine 58 with methionine.
Molecular consequence: missense variant. On other transcripts: intron variant (1).
Genome position (GRCh38, 1-based): chr14:87,992,991, G>C on the plus strand (C>G on the coding strand, the complement: GALC is on the minus strand). VCF-style: chr14-87992991-G-C. GRCh37 (hg19) VCF-style: chr14-88459335-G-C.
Other names: c.174C>G, p.Ile58Met (NM_001201401.2); c.117+392C>G (NM_001201402.2); short protein forms I58M.
Identifiers: ClinVar variation 1716134 (VCV001716134.6), dbSNP rs1302551246, ClinGen allele CA390771690.

ClinVar aggregate classification (germline): Uncertain significance (1 of 4 stars; one submission).

Conditions:
Galactosylceramide beta-galactosidase deficiency. Also called: Leukodystrophy, Globoid Cell; Krabbe Disease; GALACTOCEREBROSIDASE DEFICIENCY; GALC DEFICIENCY; GLOBOID CELL LEUKOENCEPHALOPATHY. Identifiers: Orphanet 487, MedGen C0023521, MONDO:0009499, OMIM 245200.

Submission:

Labcorp Genetics (formerly Invitae), Labcorp
Classification: Uncertain significance for Galactosylceramide beta-galactosidase deficiency. Last evaluated: 2022-08-11. Review status: criteria provided, single submitter. Criteria: Invitae Variant Classification Sherloc (09022015). Collection method: clinical testing. Allele origin: germline.
Comment: In summary, the available evidence is currently insufficient to determine the role of this variant in disease. Therefore, it has been classified as a Variant of Uncertain Significance. Advanced modeling of protein sequence and biophysical properties (such as structural, functional, and spatial information, amino acid conservation, physicochemical variation, residue mobility, and thermodynamic stability) performed at Invitae indicates that this missense variant is expected to disrupt GALC protein function. This variant has not been reported in the literature in individuals affected with GALC-related conditions. This variant is not present in population databases (gnomAD no frequency). This sequence change replaces isoleucine, which is neutral and non-polar, with methionine, which is neutral and non-polar, at codon 58 of the GALC protein (p.Ile58Met).